The following is an entry in ClinVar:

ClinVar aggregate classification (germline): Uncertain significance (1 of 4 stars; one submission).

Allele frequency attached by ClinVar (database versions not stated): TOPMed 0.00032; ExAC 0.00012; gnomAD 0.00035; ESP Exome Variant Server 0.00054; gnomAD exomes 0.00002.
gnomAD v4.1: 89 of 1,613,780 alleles (0.0055%); highest among the groups gnomAD compares: African/African-American, 0.11%; no homozygotes.

Submission:

Labcorp Genetics (formerly Invitae), Labcorp
Classification: Uncertain significance. Last evaluated: 2024-12-16. Review status: criteria provided, single submitter. Criteria: Invitae Variant Classification Sherloc (09022015). Collection method: clinical testing. Allele origin: germline.
Comment: This sequence change replaces isoleucine, which is neutral and non-polar, with serine, which is neutral and polar, at codon 268 of the REPS1 protein (p.Ile268Ser). This variant is present in population databases (rs35796154, gnomAD 0.1%), and has an allele count higher than expected for a pathogenic variant. This variant has not been reported in the literature in individuals affected with REPS1-related conditions. ClinVar contains an entry for this variant (Variation ID: 2067561). Invitae Evidence Modeling of protein sequence and biophysical properties (such as structural, functional, and spatial information, amino acid conservation, physicochemical variation, residue mobility, and thermodynamic stability) indicates that this missense variant is not expected to disrupt REPS1 protein function with a negative predictive value of 80%. In summary, the available evidence is currently insufficient to determine the role of this variant in disease. Therefore, it has been classified as a Variant of Uncertain Significance.

NM_001286611.2(REPS1):c.803T>G (p.Ile268Ser)

Gene: REPS1 (RALBP1 associated Eps domain containing 1; minus strand). Cytogenetic location: 6q24.1.
Variant type: single nucleotide variant.
Coding change: c.803T>G on transcript NM_001286611.2 (MANE Select); coding-DNA position 803, T replaced by G.
Protein change: p.Ile268Ser; replaces isoleucine 268 with serine.
Molecular consequence: missense variant.
Genome position (GRCh38, 1-based): chr6:138,943,966, A>C on the plus strand (T>G on the coding strand, the complement: REPS1 is on the minus strand). VCF-style: chr6-138943966-A-C. GRCh37 (hg19) VCF-style: chr6-139265103-A-C.
Other names: c.803T>G, p.Ile268Ser (NM_001128617.3, NM_001286612.2, NM_031922.5); short protein forms I268S.
Identifiers: ClinVar variation 2067561 (VCV002067561.4), dbSNP rs35796154, ClinGen allele CA4024353.